The following is an entry in ClinVar:

NM_014319.5(LEMD3):c.1000C>G (p.Leu334Val)

Gene: LEMD3 (LEM domain containing 3; plus strand). Cytogenetic location: 12q14.3.
Variant type: single nucleotide variant.
Coding change: c.1000C>G on transcript NM_014319.5 (MANE Select); coding-DNA position 1000, C replaced by G.
Protein change: p.Leu334Val; replaces leucine 334 with valine.
Molecular consequence: missense variant.
Genome position (GRCh38, 1-based): chr12:65,170,596, C>G. VCF-style: chr12-65170596-C-G. GRCh37 (hg19) VCF-style: chr12-65564376-C-G.
Other names: c.1000C>G (NM_014319.4); c.1000C>G, p.Leu334Val (NM_001167614.2); short protein forms L334V.
Identifiers: ClinVar variation 1492472 (VCV001492472.7), dbSNP rs147262660, ClinGen allele CA6670822.
Genomic context (GRCh38, chr12:65,170,596, plus strand): 5'-GGAGGACTCGCGATGAATGACAGGGCGGCGGCTGCCGGGAGTCTAGACAGGAGCCGAAAC[C>G]TCGAAGAGGCGGCGGCCGCGGAGCAGGGAGGAGGGTGTGATCAAGTGGACTCCAGCCCCG-3'
Protein context (NP_055134.2, residues 324-344): AAGSLDRSRN[Leu334Val]EEAAAAEQGG

ClinVar aggregate classification (germline): Uncertain significance. Review status: criteria provided, multiple submitters, no conflicts (2 of 4 stars). 2 submissions from 2 submitters: Uncertain significance (2). Last evaluated 2026-01-04.

Conditions:
Inborn genetic diseases. Identifiers: MedGen C0950123, MeSH D030342.

Allele frequency attached by ClinVar (database versions not stated): gnomAD 0.00001 and 0.00002; TOPMed 0.00002; gnomAD exomes 0.00003; ESP Exome Variant Server 0.00008; 1000 Genomes Project 30x 0.00016; 1000 Genomes Project 0.00020.
gnomAD v4.1: 46 of 1,614,050 alleles (0.0028%); highest among the groups gnomAD compares: Non-Finnish European, 0.0038%; no homozygotes.

Submissions (2):

Labcorp Genetics (formerly Invitae), Labcorp
Classification: Uncertain significance. Last evaluated: 2026-01-04. Review status: criteria provided, single submitter. Criteria: Invitae Variant Classification Sherloc (09022015). Collection method: clinical testing. Allele origin: germline.
Comment: This sequence change replaces leucine, which is neutral and non-polar, with valine, which is neutral and non-polar, at codon 334 of the LEMD3 protein (p.Leu334Val). The frequency data for this variant in the population databases is considered unreliable, as metrics indicate poor data quality at this position in the gnomAD database. This variant has not been reported in the literature in individuals affected with LEMD3-related conditions. ClinVar contains an entry for this variant (Variation ID: 1492472). Invitae Evidence Modeling of protein sequence and biophysical properties (such as structural, functional, and spatial information, amino acid conservation, physicochemical variation, residue mobility, and thermodynamic stability) indicates that this missense variant is not expected to disrupt LEMD3 protein function with a negative predictive value of 80%. In summary, the available evidence is currently insufficient to determine the role of this variant in disease. Therefore, it has been classified as a Variant of Uncertain Significance.

Ambry Genetics
Classification: Uncertain significance for Inborn genetic diseases. Last evaluated: 2025-12-02. Review status: criteria provided, single submitter. Criteria: Ambry Variant Classification Scheme 2023. Collection method: clinical testing. Allele origin: germline.